The following is an entry in ClinVar:

ClinVar aggregate classification (germline): Pathogenic (1 of 4 stars; one submission).

Conditions:
Hermansky-Pudlak syndrome 3 (HPS3). Identifiers: Orphanet 231512, Orphanet 79430, MedGen C3888001, MONDO:0013555, OMIM 614072.

Submission:

Myriad Genetics, Inc.
Classification: Pathogenic for Hermansky-Pudlak syndrome 3. Last evaluated: 2023-10-07. Review status: criteria provided, single submitter. Criteria: Myriad Autosomal Dominant, Autosomal Recessive and X-Linked Classification Criteria (2023). Collection method: clinical testing. Allele origin: unknown.
Comment: NM_032383.3(HPS3):c.461delA(N154Ifs*3) is expected to be pathogenic in the context of Hermansky-Pudlak syndrome, HPS3-related. This variant is predicted to lead to an abnormal or absent protein product due to the creation of a premature termination codon in HPS3, a gene where loss-of-function variants are known to be pathogenic. Please note: this variant was assessed in the context of healthy population screening.

NM_032383.5(HPS3):c.461del (p.Asn154fs)

Gene: HPS3 (HPS3 biogenesis of lysosomal organelles complex 2 subunit 1; plus strand). Cytogenetic location: 3q24.
Variant type: Deletion.
Coding change: c.461del on transcript NM_032383.5 (MANE Select); coding-DNA position 461, one base deleted (A; older notation c.461delA).
Protein change: p.Asn154fs; shifts the reading frame from asparagine 154.
Molecular consequence: frameshift variant. On other transcripts: intron variant (1).
Genome position (GRCh38, 1-based): chr3:149,140,247, A deleted; the last of 3 consecutive A bases (chr3:149,140,245-149,140,247); deleting any one gives the same sequence. VCF-style (leftmost placement, unchanged base first): chr3-149140244-CA-C. GRCh37 (hg19) VCF-style: chr3-148858031-CA-C.
Other names: c.218-770del (NM_001308258.2); short protein forms N154fs.
Identifiers: ClinVar variation 5012369 (VCV005012369.1).